The following is an entry in ClinVar:

NM_014055.4(IFT81):c.281G>A (p.Ser94Asn)

Gene: IFT81 (intraflagellar transport 81; plus strand). Cytogenetic location: 12q24.11.
Variant type: single nucleotide variant.
Coding change: c.281G>A on transcript NM_014055.4 (MANE Select); coding-DNA position 281, G replaced by A.
Protein change: p.Ser94Asn; replaces serine 94 with asparagine.
Molecular consequence: missense variant. On other transcripts: 5 prime UTR variant (2), non-coding transcript variant (4).
Genome position (GRCh38, 1-based): chr12:110,128,982, G>A. VCF-style: chr12-110128982-G-A. GRCh37 (hg19) VCF-style: chr12-110566787-G-A.
Other names: c.281G>A, p.Ser94Asn (NM_001143779.2, NM_001347946.2, NM_031473.4); c.-486G>A (NM_001347947.2, NM_001347948.2); short protein forms S94N.
Identifiers: ClinVar variation 1383477 (VCV001383477.6), dbSNP rs2137296025, ClinGen allele CA386907213.

ClinVar aggregate classification (germline): Uncertain significance (1 of 4 stars; one submission).

Submission:

Labcorp Genetics (formerly Invitae), Labcorp
Classification: Uncertain significance. Last evaluated: 2021-09-26. Review status: criteria provided, single submitter. Criteria: Invitae Variant Classification Sherloc (09022015). Collection method: clinical testing. Allele origin: germline.
Comment: Algorithms developed to predict the effect of missense changes on protein structure and function (SIFT, PolyPhen-2, Align-GVGD) all suggest that this variant is likely to be tolerated. This variant has not been reported in the literature in individuals affected with IFT81-related conditions. This variant is not present in population databases (ExAC no frequency). This sequence change replaces serine with asparagine at codon 94 of the IFT81 protein (p.Ser94Asn). The serine residue is highly conserved and there is a small physicochemical difference between serine and asparagine. In summary, the available evidence is currently insufficient to determine the role of this variant in disease. Therefore, it has been classified as a Variant of Uncertain Significance.